The following is an entry in ClinVar:

NM_002294.3(LAMP2):c.416A>T (p.Glu139Val)

Gene: LAMP2 (lysosome associated membrane protein 2; minus strand). Cytogenetic location: Xq24.
Variant type: single nucleotide variant.
Coding change: c.416A>T on transcript NM_002294.3 (MANE Select); coding-DNA position 416, A replaced by T.
Protein change: p.Glu139Val; replaces glutamic acid 139 with valine.
Molecular consequence: missense variant.
Genome position (GRCh38, 1-based): chrX:120,449,110, T>A on the plus strand (A>T on the coding strand, the complement: LAMP2 is on the minus strand). VCF-style: chrX-120449110-T-A. GRCh37 (hg19) VCF-style: chrX-119582965-T-A.
Other names: c.416A>T, p.Glu139Val (NM_001122606.1, NM_013995.2); short protein forms E139V.
Identifiers: ClinVar variation 657260 (VCV000657260.8), dbSNP rs1602536486, ClinGen allele CA414402339.

ClinVar aggregate classification (germline): Uncertain significance (1 of 4 stars; one submission).

Conditions:
Danon disease. Also called: PSEUDOGLYCOGENOSIS II; GSD IIb; LYSOSOMAL GLYCOGEN STORAGE DISEASE WITHOUT ACID MALTASE DEFICIENCY; ANTOPOL DISEASE; Glycogen Storage Disease Type IIb. Identifiers: Orphanet 34587, MedGen C0878677, MONDO:0010281, OMIM 300257.

Submission:

Labcorp Genetics (formerly Invitae), Labcorp
Classification: Uncertain significance for Danon disease. Last evaluated: 2022-05-27. Review status: criteria provided, single submitter. Criteria: Invitae Variant Classification Sherloc (09022015). Collection method: clinical testing. Allele origin: germline.
Comment: In summary, the available evidence is currently insufficient to determine the role of this variant in disease. Therefore, it has been classified as a Variant of Uncertain Significance. Algorithms developed to predict the effect of missense changes on protein structure and function (SIFT, PolyPhen-2, Align-GVGD) all suggest that this variant is likely to be tolerated. ClinVar contains an entry for this variant (Variation ID: 657260). This variant has not been reported in the literature in individuals affected with LAMP2-related conditions. This variant is not present in population databases (gnomAD no frequency). This sequence change replaces glutamic acid, which is acidic and polar, with valine, which is neutral and non-polar, at codon 139 of the LAMP2 protein (p.Glu139Val).